The following is an entry in ClinVar:

NM_015909.4(NBAS):c.4304G>C (p.Gly1435Ala)

Gene: NBAS (NBAS subunit of NRZ tethering complex; minus strand). Cytogenetic location: 2p24.3.
Variant type: single nucleotide variant.
Coding change: c.4304G>C on transcript NM_015909.4 (MANE Select); coding-DNA position 4304, G replaced by C.
Protein change: p.Gly1435Ala; replaces glycine 1435 with alanine.
Molecular consequence: missense variant. On other transcripts: non-coding transcript variant (1).
Genome position (GRCh38, 1-based): chr2:15,330,641, C>G on the plus strand (G>C on the coding strand, the complement: NBAS is on the minus strand). VCF-style: chr2-15330641-C-G. GRCh37 (hg19) VCF-style: chr2-15470765-C-G.
Other names: short protein forms G1435A.
Identifiers: ClinVar variation 2177512 (VCV002177512.4), dbSNP rs1672287614, ClinGen allele CA345881448.
Genomic context (GRCh38, chr2:15,330,641, plus strand): 5'-AAAGATGCACTGCTTACCTGAAGGGGTCGAAGGTAAGTTAAAGACTTCTTCCACCACTGC[C>G]CATCACTGACGGCCTGCAGCACCGCTTTGGTGGTGGTTGTGGTGTTGGAAAGGACTTTCA-3'
Protein context (NP_056993.2, residues 1425-1445): TKAVLQAVSD[Gly1435Ala]QWWKKSLTYL

ClinVar aggregate classification (germline): Uncertain significance (1 of 4 stars; one submission).

gnomAD v4.1: 1 of 1,613,984 alleles (0.000062%); highest among the groups gnomAD compares: African/African-American, 0.0013%; no homozygotes.

Submission:

Labcorp Genetics (formerly Invitae), Labcorp
Classification: Uncertain significance. Last evaluated: 2022-11-22. Review status: criteria provided, single submitter. Criteria: Invitae Variant Classification Sherloc (09022015). Collection method: clinical testing. Allele origin: germline.
Comment: This variant is not present in population databases (gnomAD no frequency). This variant has not been reported in the literature in individuals affected with NBAS-related conditions. Advanced modeling of protein sequence and biophysical properties (such as structural, functional, and spatial information, amino acid conservation, physicochemical variation, residue mobility, and thermodynamic stability) performed at Invitae indicates that this missense variant is not expected to disrupt NBAS protein function. In summary, the available evidence is currently insufficient to determine the role of this variant in disease. Therefore, it has been classified as a Variant of Uncertain Significance. This sequence change replaces glycine, which is neutral and non-polar, with alanine, which is neutral and non-polar, at codon 1435 of the NBAS protein (p.Gly1435Ala).